The following is an entry in ClinVar:

NM_000171.4(GLRA1):c.523A>G (p.Met175Val)

Gene: GLRA1 (glycine receptor alpha 1; minus strand). Cytogenetic location: 5q33.1.
Variant type: single nucleotide variant.
Coding change: c.523A>G on transcript NM_000171.4 (MANE Select); coding-DNA position 523, A replaced by G.
Protein change: p.Met175Val; replaces methionine 175 with valine.
Molecular consequence: missense variant.
Genome position (GRCh38, 1-based): chr5:151,856,337, T>C on the plus strand (A>G on the coding strand, the complement: GLRA1 is on the minus strand). VCF-style: chr5-151856337-T-C. GRCh37 (hg19) VCF-style: chr5-151235898-T-C.
Other names: M147V; c.523A>G, p.Met175Val (NM_001146040.2); c.274A>G, p.Met92Val (NM_001292000.2); short protein forms M175V, M92V.
Identifiers: ClinVar variation 16068 (VCV000016068.13), dbSNP rs121918414, ClinGen allele CA257409.

ClinVar aggregate classification (germline): Conflicting classifications of pathogenicity. Review status: criteria provided, conflicting classifications (1 of 4 stars). 3 submissions from 3 submitters: Likely pathogenic (1); Uncertain significance (1). 1 of the submissions does not count toward it. Last evaluated 2024-01-30.

Conditions:
Hereditary hyperekplexia. Identifiers: Orphanet 3197, MedGen C4084968, MONDO:0021022.
Hyperekplexia 1 (STHE). Also called: STARTLE DISEASE, FAMILIAL; STIFF-BABY SYNDROME; STIFF-MAN SYNDROME, CONGENITAL; STIFF-PERSON SYNDROME, CONGENITAL; HYPEREKPLEXIA 1, AUTOSOMAL DOMINANT; HYPEREKPLEXIA 1, AUTOSOMAL RECESSIVE. Identifiers: Orphanet 3197, MedGen C4551954, MONDO:0007868, OMIM 149400.

Allele frequency attached by ClinVar (database versions not stated): gnomAD exomes below 0.00001 and 0.00003; ExAC 0.00001; gnomAD 0.00001.

Submissions (3):

Labcorp Genetics (formerly Invitae), Labcorp
Classification: Likely pathogenic for Hereditary hyperekplexia. Last evaluated: 2024-01-30. Review status: criteria provided, single submitter. Criteria: Invitae Variant Classification Sherloc (09022015). Collection method: clinical testing. Allele origin: germline.
Comment: This sequence change replaces methionine, which is neutral and non-polar, with valine, which is neutral and non-polar, at codon 175 of the GLRA1 protein (p.Met175Val). This variant is present in population databases (rs121918414, gnomAD 0.0009%). This missense change has been observed in individual(s) with autosomal recessive hyperekplexia (PMID: 11702206). In at least one individual the data is consistent with being in trans (on the opposite chromosome) from a pathogenic variant. This variant is also known as M147V (A830G). ClinVar contains an entry for this variant (Variation ID: 16068). Advanced modeling of protein sequence and biophysical properties (such as structural, functional, and spatial information, amino acid conservation, physicochemical variation, residue mobility, and thermodynamic stability) performed at Invitae indicates that this missense variant is expected to disrupt GLRA1 protein function with a positive predictive value of 95%. Experimental studies have shown that this missense change does not substantially affect GLRA1 function (PMID: 11702206). In summary, the currently available evidence indicates that the variant is pathogenic, but additional data are needed to prove that conclusively. Therefore, this variant has been classified as Likely Pathogenic.

Revvity Omics, Revvity
Classification: Uncertain significance for Hyperekplexia 1. Last evaluated: 2023-02-24. Review status: criteria provided, single submitter. Criteria: ACMG Guidelines, 2015. Collection method: clinical testing. Allele origin: germline.

OMIM
Classification: Pathogenic for HYPEREKPLEXIA 1, AUTOSOMAL RECESSIVE. Last evaluated: 2001-09-01. Review status: no assertion criteria provided. Collection method: literature only. Allele origin: germline. Not counted in ClinVar's aggregate classification.

Literature cited by the submitters: PubMed 11702206 (cited by Labcorp Genetics (formerly Invitae), Labcorp and OMIM).